The following is an entry in ClinVar:

ClinVar aggregate classification (germline): Uncertain significance. Review status: criteria provided, multiple submitters, no conflicts (2 of 4 stars). 2 submissions from 2 submitters: Uncertain significance (2). Last evaluated 2025-01-08.

Conditions:
Inborn genetic diseases. Identifiers: MedGen C0950123, MeSH D030342.
Acute myeloid leukemia (AML). Also called: Leukemia, acute myeloid, somatic; Leukemia, acute myelogenous, somatic; Acute myeloid leukemia, adult; AML adult; Acute non-lymphocytic leukemia; Acute granulocytic leukemia. Identifiers: Orphanet 519, MedGen C0023467, MeSH D015470, MONDO:0018874, OMIM 601626, HP:0004808. Disease mechanism: Constitutively activated FLT3.

Allele frequency attached by ClinVar (database versions not stated): gnomAD exomes below 0.00001.
gnomAD v4.1: 3 of 1,492,846 alleles (0.0002%); highest among the groups gnomAD compares: Non-Finnish European, 0.00027%; no homozygotes.

Submissions (2):

Ambry Genetics
Classification: Uncertain significance for Inborn genetic diseases. Last evaluated: 2025-01-08. Review status: criteria provided, single submitter. Criteria: Ambry Variant Classification Scheme 2023. Collection method: clinical testing. Allele origin: germline.
Comment: The p.E76V variant (also known as c.227A>T), located in coding exon 1 of the CEBPA gene, results from an A to T substitution at nucleotide position 227. The glutamic acid at codon 76 is replaced by valine, an amino acid with dissimilar properties. This amino acid position is well conserved in available vertebrate species. In addition, this alteration is predicted to be tolerated by in silico analysis. Based on the available evidence, the clinical significance of this variant remains unclear.

Labcorp Genetics (formerly Invitae), Labcorp
Classification: Uncertain significance for Acute myeloid leukemia. Last evaluated: 2023-09-11. Review status: criteria provided, single submitter. Criteria: Invitae Variant Classification Sherloc (09022015). Collection method: clinical testing. Allele origin: germline.
Comment: This sequence change replaces glutamic acid, which is acidic and polar, with valine, which is neutral and non-polar, at codon 76 of the CEBPA protein (p.Glu76Val). This variant is not present in population databases (gnomAD no frequency). This variant has not been reported in the literature in individuals affected with CEBPA-related conditions. ClinVar contains an entry for this variant (Variation ID: 1424787). Advanced modeling of protein sequence and biophysical properties (such as structural, functional, and spatial information, amino acid conservation, physicochemical variation, residue mobility, and thermodynamic stability) has been performed at Invitae for this missense variant, however the output from this modeling did not meet the statistical confidence thresholds required to predict the impact of this variant on CEBPA protein function. In summary, the available evidence is currently insufficient to determine the role of this variant in disease. Therefore, it has been classified as a Variant of Uncertain Significance.

NM_004364.5(CEBPA):c.227A>T (p.Glu76Val)

Gene: CEBPA (CCAAT enhancer binding protein alpha; minus strand). Cytogenetic location: 19q13.11.
Variant type: single nucleotide variant.
Coding change: c.227A>T on transcript NM_004364.5 (MANE Select); coding-DNA position 227, A replaced by T.
Protein change: p.Glu76Val; replaces glutamic acid 76 with valine.
Molecular consequence: missense variant. On other transcripts: 5 prime UTR variant (1).
Genome position (GRCh38, 1-based): chr19:33,302,188, T>A on the plus strand (A>T on the coding strand, the complement: CEBPA is on the minus strand). VCF-style: chr19-33302188-T-A. GRCh37 (hg19) VCF-style: chr19-33793094-T-A.
Other names: c.185A>T, p.Glu62Val (NM_001287435.2); c.-131A>T (NM_001285829.2); c.332A>T, p.Glu111Val (NM_001287424.2); c.227A>T (NM_004364.3); short protein forms E76V, E62V, E111V.
Identifiers: ClinVar variation 1424787 (VCV001424787.9), dbSNP rs2145263620, ClinGen allele CA405275402.